The following is an entry in ClinVar:

ClinVar aggregate classification (germline): Uncertain significance (1 of 4 stars; one submission).

Conditions:
Autosomal recessive limb-girdle muscular dystrophy type 2O. Also called: Limb-Girdle Muscular Dystrophy Type 3C; MUSCULAR DYSTROPHY-DYSTROGLYCANOPATHY (LIMB-GIRDLE), TYPE C, 3; MUSCULAR DYSTROPHY-DYSTROGLYCANOPATHY, LIMB-GIRDLE, POMGNT1-RELATED. Identifiers: Orphanet 206564, MedGen C3150417, MONDO:0013161, OMIM 613157.
Muscular dystrophy-dystroglycanopathy (congenital with impaired intellectual development), type B, 3. Also called: MUSCULAR DYSTROPHY, CONGENITAL, POMGNT1-RELATED; Muscular dystrophy-dystroglycanopathy (congenital with intellectual disability), type B3. Identifiers: MedGen C3150412, MONDO:0013155, OMIM 613151.

Allele frequency attached by ClinVar (database versions not stated): TOPMed below 0.00001.
gnomAD v4.1: 8 of 1,613,820 alleles (0.0005%); highest among the groups gnomAD compares: Non-Finnish European, 0.00059%; no homozygotes.

Submission:

Labcorp Genetics (formerly Invitae), Labcorp
Classification: Uncertain significance for Autosomal recessive limb-girdle muscular dystrophy type 2O; Muscular dystrophy-dystroglycanopathy (congenital with impaired intellectual development), type B, 3. Last evaluated: 2022-10-17. Review status: criteria provided, single submitter. Criteria: Invitae Variant Classification Sherloc (09022015). Collection method: clinical testing. Allele origin: germline.
Comment: This sequence change replaces proline, which is neutral and non-polar, with serine, which is neutral and polar, at codon 646 of the POMGNT1 protein (p.Pro646Ser). This variant is not present in population databases (gnomAD no frequency). This variant has not been reported in the literature in individuals affected with POMGNT1-related conditions. ClinVar contains an entry for this variant (Variation ID: 1385265). Advanced modeling of protein sequence and biophysical properties (such as structural, functional, and spatial information, amino acid conservation, physicochemical variation, residue mobility, and thermodynamic stability) performed at Invitae indicates that this missense variant is not expected to disrupt POMGNT1 protein function. In summary, the available evidence is currently insufficient to determine the role of this variant in disease. Therefore, it has been classified as a Variant of Uncertain Significance.

NM_017739.4(POMGNT1):c.1936C>T (p.Pro646Ser)

Genes: POMGNT1 (protein O-linked mannose N-acetylglucosaminyltransferase 1 (beta 1,2-); minus strand), TSPAN1 (tetraspanin 1; plus strand). Cytogenetic location: 1p34.1.
Variant type: single nucleotide variant.
Coding change: c.1936C>T on transcript NM_017739.4 (MANE Select); coding-DNA position 1936, C replaced by T.
Protein change: p.Pro646Ser; replaces proline 646 with serine.
Molecular consequence: missense variant. On other transcripts: intron variant (1).
Genome position (GRCh38, 1-based): chr1:46,189,317, G>A on the plus strand (C>T on the coding strand, the complement: POMGNT1 is on the minus strand). VCF-style: chr1-46189317-G-A. GRCh37 (hg19) VCF-style: chr1-46654989-G-A.
Other names: c.1910C>T, p.Ala637Val (NM_001243766.2); c.1870C>T, p.Pro624Ser (NM_001290129.3); c.1507C>T, p.Pro503Ser (NM_001290130.2); c.1895+141C>T (NM_001410783.1); short protein forms P503S, P646S, A637V, P624S.
Identifiers: ClinVar variation 1385265 (VCV001385265.3), dbSNP rs1442072528, ClinGen allele CA340170333.